The following is an entry in ClinVar:

ClinVar aggregate classification (germline): Uncertain significance (1 of 4 stars; one submission).

Conditions:
TTN-related disorder. Also called: TTN-related disorders; TTN-related condition; TTN-related disease.

gnomAD v4.1: 6 of 1,613,704 alleles (0.00037%); highest among the groups gnomAD compares: African/African-American, 0.0053%; no homozygotes.

Submission:

PreventionGenetics, part of Exact Sciences
Classification: Uncertain significance for TTN-related condition. Last evaluated: 2026-02-22. Review status: criteria provided, single submitter. Criteria: ACMG Guidelines, 2015. Collection method: clinical testing. Allele origin: germline.
Comment: The TTN c.102700G>A variant is predicted to result in the amino acid substitution p.Asp34234Asn. To our knowledge, this variant has not been reported in the literature. This variant is reported in 0.0083% of alleles in individuals of African descent in gnomAD. At this time, the clinical significance of this variant is uncertain due to the absence of conclusive functional and genetic evidence.

NM_001267550.2(TTN):c.102700G>A (p.Asp34234Asn)

Genes: TTN (titin; minus strand), TTN-AS1 (TTN antisense RNA 1; plus strand). Cytogenetic location: 2q31.2.
Variant type: single nucleotide variant.
Coding change: c.102700G>A on transcript NM_001267550.2 (MANE Select); coding-DNA position 102700, G replaced by A.
Protein change: p.Asp34234Asn; replaces aspartic acid 34234 with asparagine.
Molecular consequence: missense variant.
Genome position (GRCh38, 1-based): chr2:178,533,915, C>T on the plus strand (G>A on the coding strand, the complement: TTN is on the minus strand). VCF-style: chr2-178533915-C-T. GRCh37 (hg19) VCF-style: chr2-179398642-C-T.
Other names: c.97777G>A, p.Asp32593Asn (NM_001256850.1); c.75505G>A, p.Asp25169Asn (NM_003319.4); c.94996G>A, p.Asp31666Asn (NM_133378.4); c.75880G>A, p.Asp25294Asn (NM_133432.3); c.76081G>A, p.Asp25361Asn (NM_133437.4); short protein forms D25361N, D31666N, D32593N, D25169N, D25294N, D34234N.
Identifiers: ClinVar variation 4992966 (VCV004992966.1).